The following is an entry in ClinVar:

ClinVar aggregate classification (germline): Uncertain significance (1 of 4 stars; one submission).

gnomAD v4.1: 25 of 1,207,810 alleles (0.0021%); highest among the groups gnomAD compares: Non-Finnish European, 0.0027%; no homozygotes.

Submission:

Labcorp Genetics (formerly Invitae), Labcorp
Classification: Uncertain significance. Last evaluated: 2025-10-02. Review status: criteria provided, single submitter. Criteria: Invitae Variant Classification Sherloc (09022015). Collection method: clinical testing. Allele origin: germline.
Comment: This sequence change replaces serine, which is neutral and polar, with phenylalanine, which is neutral and non-polar, at codon 43 of the USP9X protein (p.Ser43Phe). This variant is present in population databases (rs755870817, gnomAD 0.02%). This variant has not been reported in the literature in individuals affected with USP9X-related conditions. An algorithm developed to predict the effect of missense changes on protein structure and function (PolyPhen-2) suggests that this variant is likely to be disruptive. In summary, the available evidence is currently insufficient to determine the role of this variant in disease. Therefore, it has been classified as a Variant of Uncertain Significance.

NM_001039591.3(USP9X):c.128C>T (p.Ser43Phe)

Gene: USP9X (ubiquitin specific peptidase 9 X-linked; plus strand). Cytogenetic location: Xp11.4.
Variant type: single nucleotide variant.
Coding change: c.128C>T on transcript NM_001039591.3 (MANE Select); coding-DNA position 128, C replaced by T.
Protein change: p.Ser43Phe; replaces serine 43 with phenylalanine.
Molecular consequence: missense variant.
Genome position (GRCh38, 1-based): chrX:41,129,031, C>T. VCF-style: chrX-41129031-C-T. GRCh37 (hg19) VCF-style: chrX-40988284-C-T.
Other names: c.128C>T, p.Ser43Phe (NM_001039590.3, NM_001410748.1, NM_001410749.1 and 1 more transcripts); short protein forms S43F.
Identifiers: ClinVar variation 4768155 (VCV004768155.1).
Genomic context (GRCh38, chrX:41,129,031, plus strand): 5'-AAATGTGGAATGTTTAATTTTTAATTAAGACTTCATCGCCTGATTCTTCCAATGAAAATT[C>T]CCCGGCAACTCCCCCAGATGAGCAAGGTCAAGGTGATGCCCCACCACAGCTTGAAGATGA-3'
Protein context (NP_001034680.2, residues 33-53): TSSPDSSNEN[Ser43Phe]PATPPDEQGQ